The following is an entry in ClinVar:

NM_001254.4(CDC6):c.544A>G (p.Ile182Val)

Gene: CDC6 (cell division cycle 6; plus strand). Cytogenetic location: 17q21.2.
Variant type: single nucleotide variant.
Coding change: c.544A>G on transcript NM_001254.4 (MANE Select); coding-DNA position 544, A replaced by G.
Protein change: p.Ile182Val; replaces isoleucine 182 with valine.
Molecular consequence: missense variant.
Genome position (GRCh38, 1-based): chr17:40,291,552, A>G. VCF-style: chr17-40291552-A-G. GRCh37 (hg19) VCF-style: chr17-38447804-A-G.
Other names: short protein forms I182V.
Identifiers: ClinVar variation 4761070 (VCV004761070.1).

ClinVar aggregate classification (germline): Uncertain significance (1 of 4 stars; one submission).

Submission:

Labcorp Genetics (formerly Invitae), Labcorp
Classification: Uncertain significance. Last evaluated: 2025-05-05. Review status: criteria provided, single submitter. Criteria: Invitae Variant Classification Sherloc (09022015). Collection method: clinical testing. Allele origin: germline.
Comment: This sequence change replaces isoleucine, which is neutral and non-polar, with valine, which is neutral and non-polar, at codon 182 of the CDC6 protein (p.Ile182Val). This variant is present in population databases (rs778078418, gnomAD 0.003%). This variant has not been reported in the literature in individuals affected with CDC6-related conditions. An algorithm developed to predict the effect of missense changes on protein structure and function (PolyPhen-2) suggests that this variant is likely to be tolerated. In summary, the available evidence is currently insufficient to determine the role of this variant in disease. Therefore, it has been classified as a Variant of Uncertain Significance.